The following is an entry in ClinVar:

ClinVar aggregate classification (germline): Benign/Likely benign. Review status: criteria provided, multiple submitters, no conflicts (2 of 4 stars). 18 submissions from 18 submitters: Benign (8); Likely benign (8). 2 of the submissions do not count toward it. Last evaluated 2026-04-01.

Conditions:
Familial ovarian cancer. Identifiers: MedGen C5679802, MONDO:0016248.
Breast-ovarian cancer, familial, susceptibility to, 5 (BROVCA5). Identifiers: MedGen C5830615, MONDO:0957530, OMIM 620442.
Breast and/or ovarian cancer. Identifiers: MedGen CN221562.
Hereditary cancer-predisposing syndrome. Also called: Tumor predisposition; Hereditary neoplastic syndrome; Neoplastic Syndromes, Hereditary; Hereditary Cancer Syndrome. Identifiers: Orphanet 140162, MedGen C0027672, MeSH D009386, MONDO:0015356.
Hereditary breast ovarian cancer syndrome. Also called: Hereditary breast and ovarian cancer syndrome (HBOC); Hereditary breast and ovarian cancer; Hereditary breast and ovarian cancer syndrome; Breast and ovarian cancer; Hereditary breast and/or ovarian cancer syndrome; BRCA1- and BRCA2-Associated Hereditary Breast and Ovarian Cancer. Identifiers: Orphanet 145, MedGen C0677776, MeSH D061325, MONDO:0003582. Disease mechanism: loss of function.
Familial cancer of breast. Also called: Hereditary breast cancer; hereditary breast carcinoma; BREAST CANCER, FAMILIAL. Identifiers: Orphanet 227535, MedGen C0346153, MONDO:0016419, OMIM 114480. Disease mechanism: loss of function.

Allele frequency attached by ClinVar (database versions not stated): gnomAD exomes 0.00014 and 0.00041; ExAC 0.00057; gnomAD 0.00188 and 0.00202; TOPMed 0.00195; ESP Exome Variant Server 0.00231; 1000 Genomes Project 0.00339; 1000 Genomes Project 30x 0.00375.
gnomAD v4.1: 499 of 1,614,164 alleles (0.031%); highest among the groups gnomAD compares: African/African-American, 0.61%; 3 homozygotes.

Submissions (18):

CeGaT Center for Human Genetics Tuebingen
Classification: Likely benign. Last evaluated: 2026-04-01. Review status: criteria provided, single submitter. Criteria: CeGaT Center For Human Genetics Tuebingen Variant Classification Criteria Version 2. Collection method: clinical testing. Allele origin: germline. Affected: yes. Observed: 4 variant alleles.
Comment: PALB2: BP1, BP4, BS2

Labcorp Genetics (formerly Invitae), Labcorp
Classification: Benign for Familial cancer of breast. Last evaluated: 2026-02-03. Review status: criteria provided, single submitter. Criteria: Invitae Variant Classification Sherloc (09022015). Collection method: clinical testing. Allele origin: germline.

ARUP Laboratories, Molecular Genetics and Genomics, ARUP Laboratories
Classification: Benign. Last evaluated: 2025-07-18. Review status: criteria provided, single submitter. Criteria: ARUP Molecular Germline Variant Investigation Process 2024. Collection method: clinical testing. Allele origin: germline.

Center for Genomic Medicine, Rigshospitalet, Copenhagen University Hospital
Classification: Likely benign. Last evaluated: 2025-03-04. Review status: criteria provided, single submitter. Criteria: ACMG Guidelines, 2015. Collection method: clinical testing. Allele origin: germline.

Myriad Genetics, Inc.
Classification: Benign for Familial cancer of breast. Last evaluated: 2025-01-14. Review status: criteria provided, single submitter. Criteria: Myriad Autosomal Dominant, Autosomal Recessive and X-Linked Classification Criteria (2023). Collection method: clinical testing. Allele origin: unknown.
Comment: This variant is considered benign. This variant is a silent/synonymous amino acid change and it is not expected to impact splicing.

Dasa
Classification: Benign for Breast-ovarian cancer, familial, susceptibility to, 5. Last evaluated: 2024-11-27. Review status: criteria provided, single submitter. Criteria: DASA Assertion Criteria. Collection method: clinical testing. Allele origin: germline.
Comment: NM_024675.4(PALB2):c.1810C>T (p.Leu604=) is a synonymous variant predicted not to alter the encoded amino acid sequence. Population frequency is inconsistent with a disease-causing role for this variant, and the variant context is inconsistent with a known disease-causing mechanism. Therefore, based on the currently available evidence, this variant is classified as benign.

Blueprint Genetics
Classification: Likely benign. Last evaluated: 2024-11-13. Review status: criteria provided, single submitter. Criteria: ACMG Guidelines, 2015. Collection method: clinical testing. Allele origin: germline.

Quest Diagnostics Nichols Institute San Juan Capistrano
Classification: Benign. Last evaluated: 2022-09-05. Review status: criteria provided, single submitter. Criteria: Quest Diagnostics criteria. Collection method: clinical testing. Allele origin: unknown.

National Health Laboratory Service, Universitas Academic Hospital and University of the Free State
Classification: Likely benign for Hereditary breast ovarian cancer syndrome. Last evaluated: 2022-04-19. Review status: criteria provided, single submitter. Criteria: ACMG Guidelines, 2015. Collection method: clinical testing. Allele origin: germline. Affected: yes. Observed: 3 variant alleles.

Genetic Services Laboratory, University of Chicago
Classification: Likely benign. Last evaluated: 2022-01-04. Review status: criteria provided, single submitter. Criteria: ACMG Guidelines, 2015. Collection method: clinical testing. Allele origin: germline. Affected: no.

CHEO Genetics Diagnostic Laboratory, Children's Hospital of Eastern Ontario
Classification: Likely benign for Breast and/or ovarian cancer. Last evaluated: 2021-05-26. Review status: criteria provided, single submitter. Criteria: ACMG Guidelines, 2015. Collection method: clinical testing. Allele origin: germline.

Sema4
Classification: Likely benign for Hereditary cancer-predisposing syndrome. Last evaluated: 2021-04-20. Review status: criteria provided, single submitter. Criteria: Sema4 Curation Guidelines. Collection method: curation. Allele origin: germline.

Ambry Genetics
Classification: Benign for Hereditary cancer-predisposing syndrome. Last evaluated: 2020-04-09. Review status: criteria provided, single submitter. Criteria: Ambry Variant Classification Scheme 2023. Collection method: clinical testing. Allele origin: germline.

PreventionGenetics, part of Exact Sciences
Classification: Likely benign. Last evaluated: 2017-10-05. Review status: criteria provided, single submitter. Criteria: ACMG Guidelines, 2015. Collection method: clinical testing. Allele origin: germline.

Color Diagnostics, LLC DBA Color Health
Classification: Benign for Hereditary cancer-predisposing syndrome. Last evaluated: 2015-09-22. Review status: criteria provided, single submitter. Criteria: ACMG Guidelines, 2015. Collection method: clinical testing. Allele origin: germline.

GeneDx
Classification: Benign. Last evaluated: 2014-06-16. Review status: criteria provided, single submitter. Criteria: GeneDx Variant Classification (06012015). Collection method: clinical testing. Allele origin: germline. Affected: yes.
Comment: This variant is considered likely benign or benign based on one or more of the following criteria: it is a conservative change, it occurs at a poorly conserved position in the protein, it is predicted to be benign by multiple in silico algorithms, and/or has population frequency not consistent with disease.

Leiden Open Variation Database
Classification: Likely benign for Familial cancer of breast. Last evaluated: 2019-05-13. Review status: no assertion criteria provided. Collection method: curation. Allele origin: germline. Affected: yes. Not counted in ClinVar's aggregate classification.
Comment: Curators: Marc Tischkowitz, Arleen D. Auerbach. Submitter to LOVD: Marc Tischkowitz.

Department of Pathology and Laboratory Medicine, Sinai Health System
Classification: Likely benign for Familial ovarian cancer. Review status: no assertion criteria provided. Collection method: clinical testing. Allele origin: unknown. Affected: yes. Study: The Canadian Open Genetics Repository (COGR). Not counted in ClinVar's aggregate classification.
Comment: The PALB2 p.Leu604= variant was identified in 1 of 558 proband chromosomes (frequency: 0.002) from individuals or families with breast cancer and was not identified in 520 control chromosomes from healthy individuals (Zheng 2012). The variant was also identified in the following databases: dbSNP (ID: rs144015319) as "With other allele", ClinVar (classified as benign by Invitae, GeneDx, Color Genomics; as likely benign by Ambry Genetics and Quest Diagnostics Nichols Institute San Juan Capistrano), Clinvitae, and in LOVD 3.0 (1x probably does not affect function). The variant was not identified in Cosmic, or Zhejiang University databases. The variant was identified in control databases in 151 of 277136 chromosomes at a frequency of 0.001 increasing the likelihood this could be a low frequency benign variant (Genome Aggregation Database Feb 27, 2017). It was observed in the following populations: African in 145 of 24032 chromosomes (freq: 0.01), Latino in 5 of 34418 chromosomes (freq: 0.0002), European in 1 of 126630 chromosomes (freq: 0.00001); it was not observed in the â€šÃ„ÃºOtherâ€šÃ„Ã¹, Ashkenazi Jewish, East Asian, Finnish, and South Asian populations. The p.Leu604= variant is not expected to have clinical significance because it does not result in a change of amino acid and is not located in a known consensus splice site. In addition, in silico or computational prediction software programs (SpliceSiteFinder, MaxEntScan, NNSPLICE, GeneSplicer, HumanSpliceFinder) do not predict a difference in splicing. In summary, based on the above information the clinical significance of this variant cannot be determined with certainty at this time although we would lean towards a more benign role for this variant. This variant is classified as likely benign.

Literature cited by the submitters: PubMed 21932393 (cited by Quest Diagnostics Nichols Institute San Juan Capistrano and Leiden Open Variation Database).

NM_024675.4(PALB2):c.1810C>T (p.Leu604=)

Gene: PALB2 (partner and localizer of BRCA2; minus strand). Cytogenetic location: 16p12.2.
Variant type: single nucleotide variant.
Coding change: c.1810C>T on transcript NM_024675.4 (MANE Select); coding-DNA position 1810, C replaced by T.
Protein change: p.Leu604=; no amino-acid change (leucine 604 retained).
Molecular consequence: synonymous variant.
Genome position (GRCh38, 1-based): chr16:23,630,344, G>A on the plus strand (C>T on the coding strand, the complement: PALB2 is on the minus strand). VCF-style: chr16-23630344-G-A. GRCh37 (hg19) VCF-style: chr16-23641665-G-A.
Other names: p.L604L:CTG>TTG; NP_078951.2:p.Leu604=.
Identifiers: ClinVar variation 126625 (VCV000126625.70), dbSNP rs144015319, ClinGen allele CA299668.
Genomic context (GRCh38, chr16:23,630,344, plus strand): 5'-GCTTAAGAGGTCCAAAGTCTTCATCAGGTAACTGAAAGTCTGTGATACTGAGAAAAGACA[G>A]TAGTTGCTTTAAACTCAGCATTCCATCCCTATGAAATGGAGCCGTGAAAGCATCATCATC-3'
Protein context (NP_078951.2, residues 594-614): RDGMLSLKQL[Leu604=]SFLSITDFQL